The following is an entry in ClinVar:

ClinVar aggregate classification (germline): Uncertain significance (1 of 4 stars; one submission).

Conditions:
Fanconi anemia (FA). Also called: Fanconi's anemia. Identifiers: Orphanet 84, MedGen C0015625, MeSH D005199, MONDO:0019391.

Submission:

Labcorp Genetics (formerly Invitae), Labcorp
Classification: Uncertain significance for Fanconi anemia. Last evaluated: 2021-10-10. Review status: criteria provided, single submitter. Criteria: Invitae Variant Classification Sherloc (09022015). Collection method: clinical testing. Allele origin: germline.
Comment: In summary, the available evidence is currently insufficient to determine the role of this variant in disease. Therefore, it has been classified as a Variant of Uncertain Significance. Algorithms developed to predict the effect of missense changes on protein structure and function are either unavailable or do not agree on the potential impact of this missense change (SIFT: "Deleterious"; PolyPhen-2: "Benign"; Align-GVGD: "Class C0"). This variant has not been reported in the literature in individuals affected with FANCM-related conditions. This variant is not present in population databases (ExAC no frequency). This sequence change replaces serine with tyrosine at codon 346 of the FANCM protein (p.Ser346Tyr). The serine residue is moderately conserved and there is a large physicochemical difference between serine and tyrosine.

NM_020937.4(FANCM):c.1037C>A (p.Ser346Tyr)

Gene: FANCM (FA complementation group M; plus strand). Cytogenetic location: 14q21.2.
Variant type: single nucleotide variant.
Coding change: c.1037C>A on transcript NM_020937.4 (MANE Select); coding-DNA position 1037, C replaced by A.
Protein change: p.Ser346Tyr; replaces serine 346 with tyrosine.
Molecular consequence: missense variant.
Genome position (GRCh38, 1-based): chr14:45,151,515, C>A. VCF-style: chr14-45151515-C-A. GRCh37 (hg19) VCF-style: chr14-45620718-C-A.
Other names: c.959C>A, p.Ser320Tyr (NM_001308133.2); c.1037C>A, p.Ser346Tyr (NM_001308134.2); short protein forms S346Y, S320Y.
Identifiers: ClinVar variation 1495801 (VCV001495801.6), dbSNP rs2139160555, ClinGen allele CA389590730.